The following is an entry in ClinVar:

ClinVar aggregate classification (germline): Likely benign. Review status: criteria provided, multiple submitters, no conflicts (2 of 4 stars). 3 submissions from 3 submitters: Likely benign (2). 1 of the submissions does not count toward it. Last evaluated 2025-03-24.

Conditions:
PITPNM3-related disorder. Also called: PITPNM3-related condition.

Allele frequency attached by ClinVar (database versions not stated): ExAC 0.00001; gnomAD exomes 0.00002 and 0.00003; TOPMed 0.00003; gnomAD 0.00004.
gnomAD v4.1: 52 of 1,575,910 alleles (0.0033%); highest among the groups gnomAD compares: East Asian, 0.0046%; no homozygotes.

Submissions (3):

Labcorp Genetics (formerly Invitae), Labcorp
Classification: Likely benign. Last evaluated: 2025-03-24. Review status: criteria provided, single submitter. Criteria: Invitae Variant Classification Sherloc (09022015). Collection method: clinical testing. Allele origin: germline.

Blueprint Genetics
Classification: Likely benign. Last evaluated: 2024-09-07. Review status: criteria provided, single submitter. Criteria: ACMG Guidelines, 2015. Collection method: clinical testing. Allele origin: germline.

PreventionGenetics, part of Exact Sciences
Classification: Likely benign for PITPNM3-related condition. Last evaluated: 2019-07-09. Review status: no assertion criteria provided. Collection method: clinical testing. Allele origin: germline. Not counted in ClinVar's aggregate classification.
Comment: This variant is classified as likely benign based on ACMG/AMP sequence variant interpretation guidelines (Richards et al. 2015 PMID: 25741868, with internal and published modifications).

NM_031220.4(PITPNM3):c.2637C>T (p.Tyr879=)

Gene: PITPNM3 (PITPNM family member 3; minus strand). Cytogenetic location: 17p13.2.
Variant type: single nucleotide variant.
Coding change: c.2637C>T on transcript NM_031220.4 (MANE Select); coding-DNA position 2637, C replaced by T.
Protein change: p.Tyr879=; no amino-acid change (tyrosine 879 retained).
Molecular consequence: synonymous variant.
Genome position (GRCh38, 1-based): chr17:6,455,626, G>A on the plus strand (C>T on the coding strand, the complement: PITPNM3 is on the minus strand). VCF-style: chr17-6455626-G-A. GRCh37 (hg19) VCF-style: chr17-6358946-G-A.
Other names: c.2529C>T, p.Tyr843= (NM_001165966.2); c.2637C>T (NM_031220.3).
Identifiers: ClinVar variation 1108572 (VCV001108572.12), dbSNP rs766116886, ClinGen allele CA8329064.
Genomic context (GRCh38, chr17:6,455,626, plus strand): 5'-CGAGTTGTTCTTCTTTGGGCGTGAGCGGTGGCTGGCCTCCAGCGCGGCCAGGTGTGCGGC[G>A]TAGCCCTCGCTCAGGAACTGCGGAGGGCAGGGGAGGGCAGGGGAGGGCAGGGCAGGGCAG-3'
Protein context (NP_112497.2, residues 869-889): QTQCQFLSEG[Tyr879=]AAHLAALEAS